The following is an entry in ClinVar:

ClinVar aggregate classification (germline): Likely benign (1 of 4 stars; one submission).

Allele frequency attached by ClinVar (database versions not stated): 1000 Genomes Project 30x 0.00031; 1000 Genomes Project 0.00040; ESP Exome Variant Server 0.00062.
gnomAD v4.1: 1,180 of 1,614,120 alleles (0.073%); highest among the groups gnomAD compares: Middle Eastern, 0.099%; 1 homozygote.

Submission:

CeGaT Center for Human Genetics Tuebingen
Classification: Likely benign. Last evaluated: 2022-11-01. Review status: criteria provided, single submitter. Criteria: CeGaT Center For Human Genetics Tuebingen Variant Classification Criteria Version 2. Collection method: clinical testing. Allele origin: germline. Affected: yes. Observed: 1 variant allele.
Comment: ALDH8A1: BP4, BP7

NM_022568.4(ALDH8A1):c.1197C>T (p.Val399=)

Gene: ALDH8A1 (aldehyde dehydrogenase 8 family member A1; minus strand). Cytogenetic location: 6q23.3.
Variant type: single nucleotide variant.
Coding change: c.1197C>T on transcript NM_022568.4 (MANE Select); coding-DNA position 1197, C replaced by T.
Protein change: p.Val399=; no amino-acid change (valine 399 retained).
Molecular consequence: synonymous variant.
Genome position (GRCh38, 1-based): chr6:134,918,682, G>A on the plus strand (C>T on the coding strand, the complement: ALDH8A1 is on the minus strand). VCF-style: chr6-134918682-G-A. GRCh37 (hg19) VCF-style: chr6-135239820-G-A.
Other names: c.1047C>T, p.Val349= (NM_001193480.2); c.1035C>T, p.Val345= (NM_170771.3).
Identifiers: ClinVar variation 2656922 (VCV002656922.24), dbSNP rs141798638, ClinGen allele CA4010072.